The following is an entry in ClinVar:

ClinVar aggregate classification (germline): Likely benign (1 of 4 stars; one submission).

gnomAD v4.1: 12 of 725,308 alleles (0.0017%); highest among the groups gnomAD compares: Non-Finnish European, 0.0023%; no homozygotes.

Submission:

CeGaT Center for Human Genetics Tuebingen
Classification: Likely benign. Last evaluated: 2026-04-01. Review status: criteria provided, single submitter. Criteria: CeGaT Center For Human Genetics Tuebingen Variant Classification Criteria Version 2. Collection method: clinical testing. Allele origin: germline. Affected: yes. Observed: 1 variant allele.
Comment: AHI1: BP4, BP7

NM_001134831.2(AHI1):c.135+418C>T

Gene: AHI1 (Abelson helper integration site 1; minus strand). Cytogenetic location: 6q23.3.
Variant type: single nucleotide variant.
Coding change: c.135+418C>T on transcript NM_001134831.2 (MANE Select); 418 bases into the intron after coding-DNA position 135, C replaced by T.
Molecular consequence: intron variant.
Genome position (GRCh38, 1-based): chr6:135,490,205, G>A on the plus strand (C>T on the coding strand, the complement: AHI1 is on the minus strand). VCF-style: chr6-135490205-G-A. GRCh37 (hg19) VCF-style: chr6-135811343-G-A.
Other names: c.135+418C>T (NM_001134830.2, NM_001350503.2, NM_017651.5 and 2 more transcripts).
Identifiers: ClinVar variation 4874241 (VCV004874241.2).
Genomic context (GRCh38, chr6:135,490,205, plus strand): 5'-GCCAAAGATTCTATCATTTGAAAGTGTGCCTCAAACATAAAAGGATAATTATTACCATAC[G>A]GCCATTGATTTCTCCTGGTTCTGTTGGGTAGAATCACACAGAAATAGTTTAAATAAGCAC-3'